The following is an entry in ClinVar:

NM_058179.4(PSAT1):c.740+3A>G

Gene: PSAT1 (phosphoserine aminotransferase 1; plus strand). Cytogenetic location: 9q21.2.
Variant type: single nucleotide variant.
Coding change: c.740+3A>G on transcript NM_058179.4 (MANE Select); 3 bases into the intron after coding-DNA position 740, A replaced by G.
Molecular consequence: intron variant.
Genome position (GRCh38, 1-based): chr9:78,308,586, A>G. VCF-style: chr9-78308586-A-G. GRCh37 (hg19) VCF-style: chr9-80923502-A-G.
Other names: c.740+3A>G (NM_021154.5).
Identifiers: ClinVar variation 1519234 (VCV001519234.6), dbSNP rs1203560717, ClinGen allele CA588784593.

ClinVar aggregate classification (germline): Uncertain significance (1 of 4 stars; one submission).

Conditions:
Neu-Laxova syndrome 2. Identifiers: Orphanet 2671, Orphanet 583602, MedGen C4015019, MONDO:0014466, OMIM 616038.

Allele frequency attached by ClinVar (database versions not stated): TOPMed below 0.00001; gnomAD exomes 0.00001 and 0.00002.
gnomAD v4.1: 18 of 1,614,034 alleles (0.0011%); highest among the groups gnomAD compares: South Asian, 0.012%; no homozygotes.

Submission:

Labcorp Genetics (formerly Invitae), Labcorp
Classification: Uncertain significance for Neu-Laxova syndrome 2. Last evaluated: 2021-07-06. Review status: criteria provided, single submitter. Criteria: Invitae Variant Classification Sherloc (09022015). Collection method: clinical testing. Allele origin: germline.
Comment: In summary, the available evidence is currently insufficient to determine the role of this variant in disease. Therefore, it has been classified as a Variant of Uncertain Significance. This sequence change falls in intron 6 of the PSAT1 gene. It does not directly change the encoded amino acid sequence of the PSAT1 protein. It affects a nucleotide within the consensus splice site of the intron. This variant is not present in population databases (ExAC no frequency). This variant has not been reported in the literature in individuals with PSAT1-related conditions. Nucleotide substitutions within the consensus splice site are a relatively common cause of aberrant splicing (PMID: 17576681, 9536098). Algorithms developed to predict the effect of sequence changes on RNA splicing suggest that this variant may disrupt the consensus splice site, but this prediction has not been confirmed by published transcriptional studies.

Literature cited by the submitters: PubMed 17576681; PubMed 9536098.